The following is an entry in ClinVar:

NM_138387.4(G6PC3):c.194A>C (p.Glu65Ala)

Genes: G6PC3 (glucose-6-phosphatase catalytic subunit 3; plus strand), LOC130060959 (ATAC-STARR-seq lymphoblastoid active region 12250; plus strand). Cytogenetic location: 17q21.31.
Variant type: single nucleotide variant.
Coding change: c.194A>C on transcript NM_138387.4 (MANE Select); coding-DNA position 194, A replaced by C.
Protein change: p.Glu65Ala; replaces glutamic acid 65 with alanine.
Molecular consequence: missense variant. On other transcripts: 5 prime UTR variant (3), intron variant (1).
Genome position (GRCh38, 1-based): chr17:44,071,159, A>C. VCF-style: chr17-44071159-A-C. GRCh37 (hg19) VCF-style: chr17-42148527-A-C.
Other names: c.194A>C, p.Glu65Ala (NM_001319945.2); c.-211A>C (NM_001384165.1); c.-346A>C (NM_001384166.1); c.-336A>C (NM_001384167.1); c.-312+445A>C (NM_001384168.1); short protein forms E65A.
Identifiers: ClinVar variation 4739678 (VCV004739678.1).

ClinVar aggregate classification (germline): Likely pathogenic (1 of 4 stars; one submission).

Conditions:
Autosomal recessive severe congenital neutropenia due to G6PC3 deficiency. Also called: NEUTROPENIA, SEVERE CONGENITAL, 4, AUTOSOMAL RECESSIVE; G6PC3 Deficiency. Identifiers: Orphanet 331176, MedGen C2751630, MONDO:0012930, OMIM 612541.

Submission:

Labcorp Genetics (formerly Invitae), Labcorp
Classification: Likely pathogenic for Autosomal recessive severe congenital neutropenia due to G6PC3 deficiency. Last evaluated: 2025-12-06. Review status: criteria provided, single submitter. Criteria: Invitae Variant Classification Sherloc (09022015). Collection method: clinical testing. Allele origin: germline.
Comment: This sequence change replaces glutamic acid, which is acidic and polar, with alanine, which is neutral and non-polar, at codon 65 of the G6PC3 protein (p.Glu65Ala). This variant is present in population databases (rs745318917, gnomAD 0.007%). This missense change has been observed in individuals with severe congenital neutropenia (PMID: 30040071; internal data). Invitae Evidence Modeling of protein sequence and biophysical properties (such as structural, functional, and spatial information, amino acid conservation, physicochemical variation, residue mobility, and thermodynamic stability) indicates that this missense variant is expected to disrupt G6PC3 protein function with a positive predictive value of 95%. In summary, the currently available evidence indicates that the variant is pathogenic, but additional data are needed to prove that conclusively. Therefore, this variant has been classified as Likely Pathogenic.

Literature cited by the submitters: PubMed 30040071.